The following is an entry in ClinVar:

ClinVar aggregate classification (germline): Benign/Likely benign. Review status: criteria provided, multiple submitters, no conflicts (2 of 4 stars). 3 submissions from 3 submitters: Benign (1); Likely benign (2). Last evaluated 2026-05-21.

Conditions:
Hereditary cancer-predisposing syndrome. Also called: Neoplastic Syndromes, Hereditary; Hereditary Cancer Syndrome; Hereditary neoplastic syndrome; Tumor predisposition. Identifiers: Orphanet 140162, MedGen C0027672, MeSH D009386, MONDO:0015356.
Cardiovascular phenotype. Identifiers: MedGen CN230736.
Neurofibromatosis, type 1 (NF1). Also called: Neurofibromatosis, type I; NEUROFIBROMATOSIS, TYPE I, SOMATIC; Peripheral type neurofibromatosis; VON RECKLINGHAUSEN DISEASE. Identifiers: Orphanet 636, MedGen C0027831, MONDO:0018975, OMIM 162200. Disease mechanism: loss of function.

Allele frequency attached by ClinVar (database versions not stated): gnomAD exomes below 0.00001 and 0.00001; TOPMed below 0.00001.
gnomAD v4.1: 1 of 1,614,158 alleles (0.000062%); highest among the groups gnomAD compares: Non-Finnish European, 0.000085%; no homozygotes.

Submissions (3):

Myriad Genetics, Inc.
Classification: Benign for Neurofibromatosis, type 1. Last evaluated: 2026-05-21. Review status: criteria provided, single submitter. Criteria: Myriad Autosomal Dominant, Autosomal Recessive and X-Linked Classification Criteria (2023). Collection method: clinical testing. Allele origin: unknown.
Comment: This variant is considered benign. This variant is a silent/synonymous amino acid change and it is not expected to impact splicing.

Labcorp Genetics (formerly Invitae), Labcorp
Classification: Likely benign for Neurofibromatosis, type 1. Last evaluated: 2026-01-13. Review status: criteria provided, single submitter. Criteria: Invitae Variant Classification Sherloc (09022015). Collection method: clinical testing. Allele origin: germline.

Ambry Genetics
Classification: Likely benign for Cardiovascular phenotype; Hereditary cancer-predisposing syndrome. Last evaluated: 2020-03-06. Review status: criteria provided, single submitter. Criteria: Ambry Variant Classification Scheme 2023. Collection method: clinical testing. Allele origin: germline.

NM_001042492.3(NF1):c.7074A>G (p.Glu2358=)

Gene: NF1 (neurofibromin 1; plus strand). Cytogenetic location: 17q11.2.
Variant type: single nucleotide variant.
Coding change: c.7074A>G on transcript NM_001042492.3 (MANE Select); coding-DNA position 7074, A replaced by G.
Protein change: p.Glu2358=; no amino-acid change (glutamic acid 2358 retained).
Molecular consequence: synonymous variant.
Genome position (GRCh38, 1-based): chr17:31,343,020, A>G. VCF-style: chr17-31343020-A-G. GRCh37 (hg19) VCF-style: chr17-29670038-A-G.
Other names: c.7011A>G, p.Glu2337= (NM_000267.4).
Identifiers: ClinVar variation 527494 (VCV000527494.12), dbSNP rs1388098913, ClinGen allele CA499236769.
Genomic context (GRCh38, chr17:31,343,020, plus strand): 5'-AAAGCTACTGTGTGAACCTCATCAACCATCTCATGATTATCTTTAATAGAGTCCAGAGGA[A>G]GTATTTATGGCAATCCGGAATCCTCTGGAGTGGCACTGCAAGCAAATGGATCATTTTGTT-3'
Protein context (NP_001035957.1, residues 2348-2368): LRIFNDKSPE[Glu2358=]VFMAIRNPLE